The following is an entry in ClinVar:

ClinVar aggregate classification (germline): Uncertain significance (1 of 4 stars; one submission).

Conditions:
Hereditary cancer-predisposing syndrome. Also called: Neoplastic Syndromes, Hereditary; Tumor predisposition; Hereditary neoplastic syndrome; Hereditary Cancer Syndrome. Identifiers: Orphanet 140162, MedGen C0027672, MeSH D009386, MONDO:0015356.

gnomAD v4.1: 1 of 1,614,000 alleles (0.000062%); highest among the groups gnomAD compares: Non-Finnish European, 0.000085%; no homozygotes.

Submission:

Ambry Genetics
Classification: Uncertain significance for Hereditary cancer-predisposing syndrome. Last evaluated: 2026-07-06. Review status: criteria provided, single submitter. Criteria: Ambry Variant Classification Scheme 2023. Collection method: clinical testing. Allele origin: germline.
Comment: The p.C555S variant (also known as c.1663T>A), located in coding exon 5 of the AXIN2 gene, results from a T to A substitution at nucleotide position 1663. The cysteine at codon 555 is replaced by serine, an amino acid with dissimilar properties. This amino acid position is conserved. In addition, this alteration is predicted to be tolerated by in silico analysis. Based on the available evidence, the clinical significance of this variant remains unclear.

NM_004655.4(AXIN2):c.1663T>A (p.Cys555Ser)

Gene: AXIN2 (axin 2; minus strand). Cytogenetic location: 17q24.1.
Variant type: single nucleotide variant.
Coding change: c.1663T>A on transcript NM_004655.4 (MANE Select); coding-DNA position 1663, T replaced by A.
Protein change: p.Cys555Ser; replaces cysteine 555 with serine.
Molecular consequence: missense variant.
Genome position (GRCh38, 1-based): chr17:65,537,373, A>T on the plus strand (T>A on the coding strand, the complement: AXIN2 is on the minus strand). VCF-style: chr17-65537373-A-T. GRCh37 (hg19) VCF-style: chr17-63533491-A-T.
Other names: c.1663T>A, p.Cys555Ser (NM_001363813.1); short protein forms C555S.
Identifiers: ClinVar variation 5032550 (VCV005032550.1).
Genomic context (GRCh38, chr17:65,537,373, plus strand): 5'-CCGGCACTTACCCAAACTGCTCGCTGGGCATGGTTTCCGGAGCCTTGGAGTGGCTTTTGC[A>T]TTTCGAGTAGCAGTAATACTCGCTGCCCCCAGGGCAGAAGCAGTGCACCCGCTGCGTGGC-3'
Protein context (NP_004646.3, residues 545-565): GGSEYYCYSK[Cys555Ser]KSHSKAPETM